The following is an entry in ClinVar:

NM_000179.3(MSH6):c.3205G>C (p.Gly1069Arg)

Gene: MSH6 (mutS homolog 6; plus strand). Cytogenetic location: 2p16.3.
Variant type: single nucleotide variant.
Coding change: c.3205G>C on transcript NM_000179.3 (MANE Select); coding-DNA position 3205, G replaced by C.
Protein change: p.Gly1069Arg; replaces glycine 1069 with arginine.
Molecular consequence: missense variant.
Genome position (GRCh38, 1-based): chr2:47,803,452, G>C. VCF-style: chr2-47803452-G-C. GRCh37 (hg19) VCF-style: chr2-48030591-G-C.
Other names: c.2815G>C, p.Gly939Arg (NM_001281492.2); c.2299G>C, p.Gly767Arg (NM_001281493.2, NM_001281494.2); short protein forms G1069R, G767R, G939R.
Identifiers: ClinVar variation 410497 (VCV000410497.37), dbSNP rs764113705, ClinGen allele CA070372.

ClinVar aggregate classification (germline): Conflicting classifications of pathogenicity. Review status: criteria provided, conflicting classifications (1 of 4 stars). 11 submissions from 11 submitters: Uncertain significance (7); Benign (1); Likely benign (1). 2 of the submissions do not count toward it. Last evaluated 2026-01-05.

Conditions:
Lynch syndrome. Identifiers: Orphanet 144, MedGen C4552100, MONDO:0005835. Disease mechanism: loss of function.
Malignant tumor of breast. Also called: Malignant breast neoplasm; Cancer breast. Identifiers: MedGen C0006142, MONDO:0007254. Disease mechanism: loss of function.
Mismatch repair cancer syndrome 3. Identifiers: MedGen C5436807, MONDO:0030841, OMIM 619097.
Lynch syndrome 5 (LYNCH5). Also called: Hereditary non-polyposis colorectal cancer, type 5; Colorectal cancer, hereditary nonpolyposis, type 5. Identifiers: Orphanet 144, MedGen C1833477, MONDO:0013710, OMIM 614350. Disease mechanism: loss of function.
Endometrial carcinoma. Also called: Endometrial carcinoma, somatic. Identifiers: MedGen C0476089, MONDO:0002447, OMIM 608089, HP:0012114.
Hereditary cancer-predisposing syndrome. Also called: Tumor predisposition; Hereditary Cancer Syndrome; Hereditary neoplastic syndrome; Neoplastic Syndromes, Hereditary. Identifiers: Orphanet 140162, MedGen C0027672, MeSH D009386, MONDO:0015356.
Hereditary nonpolyposis colorectal neoplasms. Identifiers: MedGen C0009405, MeSH D003123.

Allele frequency attached by ClinVar (database versions not stated): gnomAD exomes below 0.00001 and 0.00003; gnomAD 0.00002; ExAC 0.00003; TOPMed 0.00003.
gnomAD v4.1: 10 of 1,614,046 alleles (0.00062%); highest among the groups gnomAD compares: East Asian, 0.02%; no homozygotes.

Submissions (11):

Labcorp Genetics (formerly Invitae), Labcorp
Classification: Benign for Hereditary nonpolyposis colorectal neoplasms. Last evaluated: 2026-01-05. Review status: criteria provided, single submitter. Criteria: Invitae Variant Classification Sherloc (09022015). Collection method: clinical testing. Allele origin: germline.

Myriad Genetics, Inc.
Classification: Likely benign for Lynch syndrome 5. Last evaluated: 2025-11-26. Review status: criteria provided, single submitter. Criteria: Myriad Autosomal Dominant, Autosomal Recessive and X-Linked Classification Criteria (2023). Collection method: clinical testing. Allele origin: unknown.
Comment: This variant is considered likely benign. This variant is strongly associated with less severe personal and family histories of cancer, typical for individuals without pathogenic variants in this gene [PMID: 27363726].

Ambry Genetics
Classification: Uncertain significance for Hereditary cancer-predisposing syndrome. Last evaluated: 2025-09-09. Review status: criteria provided, single submitter. Criteria: Ambry Variant Classification Scheme 2023. Collection method: clinical testing. Allele origin: germline.
Comment: The p.G1069R variant (also known as c.3205G>C), located in coding exon 5 of the MSH6 gene, results from a G to C substitution at nucleotide position 3205. The glycine at codon 1069 is replaced by arginine, an amino acid with dissimilar properties. This variant has been identified in numerous disease cohorts (Chan GHJ et al. Oncotarget, 2018 Jul;9:30649-30660; Lerner-Ellis J et al. J Cancer Res Clin Oncol, 2021 Mar;147:871-879; Yin L et al. JAMA Netw Open, 2022 Feb;5:e2148721). This variant has been identified in at least 2 probands whose Lynch syndrome-associated tumors demonstrated normal mismatch repair protein expression by immunohistochemistry (IHC) (Ambry internal data). This amino acid position is well conserved in available vertebrate species. In addition, the in silico prediction for this alteration is inconclusive. Based on the available evidence, the clinical significance of this variant remains unclear.

Color Diagnostics, LLC DBA Color Health
Classification: Uncertain significance for Hereditary cancer-predisposing syndrome. Last evaluated: 2025-07-30. Review status: criteria provided, single submitter. Criteria: ACMG Guidelines, 2015. Collection method: clinical testing. Allele origin: germline.
Comment: This missense variant replaces glycine with arginine at codon 1069 of the MSH6 protein. Computational prediction is inconclusive regarding the impact of this variant on protein structure and function. To our knowledge, functional studies have not been performed for this variant. This variant has been reported in an individual affected with ovarian cancer (PMID: 30093976). This variant has also been identified in 8/282742 chromosomes in the general population by the Genome Aggregation Database (gnomAD). The available evidence is insufficient to determine the role of this variant in disease conclusively. Therefore, this variant is classified as a Variant of Uncertain Significance.

All of Us Research Program, National Institutes of Health
Classification: Uncertain significance for Lynch syndrome. Last evaluated: 2024-03-24. Review status: criteria provided, single submitter. Criteria: ACMG Guidelines, 2015. Collection method: clinical testing. Allele origin: germline. Inheritance: Autosomal dominant inheritance. Observed: 5 variant alleles, 5 heterozygotes.
Comment: This missense variant replaces glycine with arginine at codon 1069 of the MSH6 protein. Computational prediction is inconclusive regarding the impact of this variant on protein structure and function (internally defined REVEL score threshold 0.5 < inconclusive < 0.7, PMID: 27666373). Splice site prediction tools suggest that this variant may not impact RNA splicing. To our knowledge, functional studies have not been performed for this variant. This variant has been reported in an individual affected with gastric cancer (Huang Y., 2015) and in an individual affected with colorectal cancer (Huang K., 2016). This variant has also been identified in 8/282742 chromosomes in the general population by the Genome Aggregation Database (gnomAD). The available evidence is insufficient to determine the role of this variant in disease conclusively. Therefore, this variant is classified as a Variant of Uncertain Significance.

This study involves interpretation of variants in research participants for the purpose of population health screening. Participant phenotype was not available at the time of variant classification. Additional details can be found in publication PMID: 35346344, PMCID: PMC8962531

Fulgent Genetics
Classification: Uncertain significance for Endometrial carcinoma; Lynch syndrome 5; Mismatch repair cancer syndrome 3. Last evaluated: 2023-12-24. Review status: criteria provided, single submitter. Criteria: ACMG Guidelines, 2015. Collection method: clinical testing. Allele origin: germline.

Baylor Genetics
Classification: Uncertain significance for Endometrial carcinoma. Last evaluated: 2023-12-01. Review status: criteria provided, single submitter. Criteria: ACMG Guidelines, 2015. Collection method: clinical testing. Allele origin: unknown.

GeneDx
Classification: Uncertain significance. Last evaluated: 2022-12-15. Review status: criteria provided, single submitter. Criteria: GeneDx Variant Classification Process June 2021. Collection method: clinical testing. Allele origin: germline. Affected: yes.
Comment: In silico analysis supports that this missense variant does not alter protein structure/function; Observed in individuals with ovarian cancer (Chan et al., 2018); This variant is associated with the following publications: (PMID: 29636988, 17531815, 21120944, 30787465, 30093976)

Quest Diagnostics Nichols Institute San Juan Capistrano
Classification: Uncertain significance. Last evaluated: 2019-04-21. Review status: criteria provided, single submitter. Criteria: Quest Diagnostics criteria. Collection method: clinical testing. Allele origin: germline.

Counsyl
Classification: Uncertain significance for Lynch syndrome 5. Last evaluated: 2017-02-03. Review status: no assertion criteria provided. Collection method: clinical testing. Allele origin: unknown. Not counted in ClinVar's aggregate classification.

Department of Pathology and Laboratory Medicine, Sinai Health System
Classification: Uncertain significance for Malignant tumor of breast. Review status: no assertion criteria provided. Collection method: clinical testing. Allele origin: unknown. Affected: yes. Study: The Canadian Open Genetics Repository (COGR). Not counted in ClinVar's aggregate classification.
Comment: The MSH6 p.Gly1069Arg variant was not identified in the literature nor was it identified in the COGR, Cosmic, MutDB, UMD-LSDB, Zhejiang University Database, or Mismatch Repair Genes Variant databases. The variant was identified in dbSNP (ID: rs764113705) as "With Uncertain significance alleleâ€šÃ„Ã¹, ClinVar (classified as uncertain significance by Invitae, Ambry Genetics and three other submitters), and in Insight Hereditary Tumors Database (1x). The variant was identified in control databases in 6 of 277092 chromosomes at a frequency of 0.00002 (Genome Aggregation Database Feb 27, 2017). The variant was observed in the East Asian in 6 of 18858 chromosomes (freq: 0.0003), while the variant was not observed in the African, Other, Latino, European, Ashkenazi Jewish, Finnish, and South Asian populations. The p.Gly1069 residue is conserved in mammals and computational analyses (PolyPhen-2, SIFT, AlignGVGD, BLOSUM, MutationTaster) provide inconsistent predictions regarding the impact to the protein; this information is not very predictive of pathogenicity. The variant occurs outside of the splicing consensus sequence and in silico or computational prediction software programs (SpliceSiteFinder, MaxEntScan, NNSPLICE, GeneSplicer) do not predict a difference in splicing. In summary, based on the above information the clinical significance of this variant cannot be determined with certainty at this time. This variant is classified as a variant of uncertain significance.

Literature cited by the submitters: PubMed 27363726 (cited by Myriad Genetics, Inc.); PubMed 30093976 (cited by Ambry Genetics and Color Diagnostics, LLC DBA Color Health); PubMed 32885271 (cited by Ambry Genetics); PubMed 35171259 (cited by Ambry Genetics); PubMed 17973265 (cited by Quest Diagnostics Nichols Institute San Juan Capistrano).